The following is an entry in ClinVar:

NM_181078.3(IL21R):c.257T>A (p.Phe86Tyr)

Gene: IL21R (interleukin 21 receptor; plus strand). Cytogenetic location: 16p12.1.
Variant type: single nucleotide variant.
Coding change: c.257T>A on transcript NM_181078.3 (MANE Select); coding-DNA position 257, T replaced by A.
Protein change: p.Phe86Tyr; replaces phenylalanine 86 with tyrosine.
Molecular consequence: missense variant.
Genome position (GRCh38, 1-based): chr16:27,437,592, T>A. VCF-style: chr16-27437592-T-A. GRCh37 (hg19) VCF-style: chr16-27448913-T-A.
Other names: c.323T>A (NM_181079.4); c.257T>A, p.Phe86Tyr (NM_021798.4); c.323T>A, p.Phe108Tyr (NM_181079.5); short protein forms F108Y, F86Y.
Identifiers: ClinVar variation 837276 (VCV000837276.8), dbSNP rs988781363, ClinGen allele CA7974930.
Genomic context (GRCh38, chr16:27,437,592, plus strand): 5'-GCCTCCACAGGTCGGCCCACAATGCCACGCATGCCACCTACACCTGCCACATGGATGTAT[T>A]CCACTTCATGGCCGACGACATTTTCAGTGTCAACATCACAGACCAGTCTGGCAACTACTC-3'
Protein context (NP_851564.1, residues 76-96): HATYTCHMDV[Phe86Tyr]HFMADDIFSV

ClinVar aggregate classification (germline): Uncertain significance. Review status: criteria provided, multiple submitters, no conflicts (2 of 4 stars). 2 submissions from 2 submitters: Uncertain significance (2). Last evaluated 2025-07-16.

Conditions:
Cryptosporidiosis-chronic cholangitis-liver disease syndrome. Also called: IL21R immunodeficiency; Immunodeficiency type 56. Identifiers: Orphanet 357329, MedGen C3554687, MONDO:0014082, OMIM 615207.
Inborn genetic diseases. Identifiers: MedGen C0950123, MeSH D030342.

Allele frequency attached by ClinVar (database versions not stated): ExAC 0.00002; gnomAD exomes 0.00004 and 0.00005; TOPMed 0.00007; gnomAD 0.00008 and 0.00009.
gnomAD v4.1: 85 of 1,614,106 alleles (0.0053%); highest among the groups gnomAD compares: Non-Finnish European, 0.0064%; no homozygotes.

Submissions (2):

Ambry Genetics
Classification: Uncertain significance for Inborn genetic diseases. Last evaluated: 2025-07-16. Review status: criteria provided, single submitter. Criteria: Ambry Variant Classification Scheme 2023. Collection method: clinical testing. Allele origin: germline.

Labcorp Genetics (formerly Invitae), Labcorp
Classification: Uncertain significance for Cryptosporidiosis-chronic cholangitis-liver disease syndrome. Last evaluated: 2024-10-10. Review status: criteria provided, single submitter. Criteria: Invitae Variant Classification Sherloc (09022015). Collection method: clinical testing. Allele origin: germline.
Comment: This sequence change replaces phenylalanine, which is neutral and non-polar, with tyrosine, which is neutral and polar, at codon 86 of the IL21R protein (p.Phe86Tyr). This variant is present in population databases (no rsID available, gnomAD 0.01%). This variant has not been reported in the literature in individuals affected with IL21R-related conditions. ClinVar contains an entry for this variant (Variation ID: 837276). Invitae Evidence Modeling of protein sequence and biophysical properties (such as structural, functional, and spatial information, amino acid conservation, physicochemical variation, residue mobility, and thermodynamic stability) indicates that this missense variant is not expected to disrupt IL21R protein function with a negative predictive value of 80%. In summary, the available evidence is currently insufficient to determine the role of this variant in disease. Therefore, it has been classified as a Variant of Uncertain Significance.